The following is an entry in ClinVar:

ClinVar aggregate classification (germline): Uncertain significance. Review status: criteria provided, multiple submitters, no conflicts (2 of 4 stars). 7 submissions from 7 submitters: Uncertain significance (7). Last evaluated 2026-02-02.

Conditions:
Spinal muscular atrophy-progressive myoclonic epilepsy syndrome. Also called: MYOCLONUS, HEREDITARY, WITH PROGRESSIVE DISTAL MUSCULAR ATROPHY; Spinal muscular atrophy with progressive myoclonic epilepsy; Hereditary myoclonus and progressive distal muscular atrophy; Spinal Muscular Atrophy with Progressive Myoclonic Epilepsy (SMA-PME). Identifiers: Orphanet 2590, MedGen C1834569, MONDO:0008045, OMIM 159950.
Farber lipogranulomatosis (FRBRL). Also called: Farber's disease; AC DEFICIENCY; ACID CERAMIDASE DEFICIENCY; CERAMIDASE DEFICIENCY; N-LAURYLSPHINGOSINE DEACYLASE DEFICIENCY; Farber disease. Identifiers: Orphanet 333, MedGen C0268255, MONDO:0009218, OMIM 228000.

Allele frequency attached by ClinVar (database versions not stated): 1000 Genomes Project 30x 0.00016; 1000 Genomes Project 0.00020; gnomAD 0.00030; ESP Exome Variant Server 0.00031; TOPMed 0.00031; ExAC 0.00033.
gnomAD v4.1: 344 of 1,591,382 alleles (0.022%); highest among the groups gnomAD compares: Non-Finnish European, 0.026%; no homozygotes.

Submissions (7):

Labcorp Genetics (formerly Invitae), Labcorp
Classification: Uncertain significance. Last evaluated: 2026-02-02. Review status: criteria provided, single submitter. Criteria: Invitae Variant Classification Sherloc (09022015). Collection method: clinical testing. Allele origin: germline.
Comment: This sequence change replaces proline, which is neutral and non-polar, with threonine, which is neutral and polar, at codon 126 of the ASAH1 protein (p.Pro126Thr). This variant is present in population databases (rs199785411, gnomAD 0.08%). This variant has not been reported in the literature in individuals affected with ASAH1-related conditions. ClinVar contains an entry for this variant (Variation ID: 425437). Invitae Evidence Modeling of protein sequence and biophysical properties (such as structural, functional, and spatial information, amino acid conservation, physicochemical variation, residue mobility, and thermodynamic stability) indicates that this missense variant is not expected to disrupt ASAH1 protein function with a negative predictive value of 80%. In summary, the available evidence is currently insufficient to determine the role of this variant in disease. Therefore, it has been classified as a Variant of Uncertain Significance.

Blueprint Genetics
Classification: Uncertain significance. Last evaluated: 2024-11-18. Review status: criteria provided, single submitter. Criteria: ACMG Guidelines, 2015. Collection method: clinical testing. Allele origin: germline.

GeneDx
Classification: Uncertain significance. Last evaluated: 2024-10-23. Review status: criteria provided, single submitter. Criteria: GeneDx Variant Classification Process June 2021. Collection method: clinical testing. Allele origin: germline. Affected: yes.
Comment: In silico analysis supports that this missense variant has a deleterious effect on protein structure/function; This variant is associated with the following publications: (PMID: 29140481, 28733637)

CeGaT Center for Human Genetics Tuebingen
Classification: Uncertain significance. Last evaluated: 2023-07-01. Review status: criteria provided, single submitter. Criteria: CeGaT Center For Human Genetics Tuebingen Variant Classification Criteria Version 2. Collection method: clinical testing. Allele origin: germline. Affected: yes. Observed: 7 variant alleles.
Comment: ASAH1: PM2:Supporting

Revvity Omics, Revvity
Classification: Uncertain significance. Last evaluated: 2021-08-10. Review status: criteria provided, single submitter. Criteria: ACMG Guidelines, 2015. Collection method: clinical testing. Allele origin: germline.

Fulgent Genetics
Classification: Uncertain significance for Spinal muscular atrophy-progressive myoclonic epilepsy syndrome; Farber lipogranulomatosis. Last evaluated: 2021-07-09. Review status: criteria provided, single submitter. Criteria: ACMG Guidelines, 2015. Collection method: clinical testing. Allele origin: unknown.

Knight Diagnostic Laboratories, Oregon Health and Sciences University
Classification: Uncertain significance for Farber lipogranulomatosis. Last evaluated: 2019-01-18. Review status: criteria provided, single submitter. Criteria: ACMG Guidelines, 2015. Collection method: clinical testing. Allele origin: germline. Observed: 1 variant allele.

NM_177924.5(ASAH1):c.376C>A (p.Pro126Thr)

Gene: ASAH1 (N-acylsphingosine amidohydrolase 1; minus strand). Cytogenetic location: 8p22.
Variant type: single nucleotide variant.
Coding change: c.376C>A on transcript NM_177924.5 (MANE Select); coding-DNA position 376, C replaced by A.
Protein change: p.Pro126Thr; replaces proline 126 with threonine.
Molecular consequence: missense variant.
Genome position (GRCh38, 1-based): chr8:18,067,226, G>T on the plus strand (C>A on the coding strand, the complement: ASAH1 is on the minus strand). VCF-style: chr8-18067226-G-T. GRCh37 (hg19) VCF-style: chr8-17924735-G-T.
Other names: c.358C>A, p.Pro120Thr (NM_001127505.3); c.181C>A, p.Pro61Thr (NM_001363743.2); c.424C>A, p.Pro142Thr (NM_004315.6); short protein forms P142T, P120T, P126T, P61T.
Identifiers: ClinVar variation 425437 (VCV000425437.54), dbSNP rs199785411, ClinGen allele CA4650897.